The following is an entry in ClinVar:

ClinVar aggregate classification (germline): Uncertain significance. Review status: criteria provided, multiple submitters, no conflicts (2 of 4 stars). 2 submissions from 2 submitters: Uncertain significance (2). Last evaluated 2026-08-06.

Conditions:
Chromosome 2q32-q33 deletion syndrome (GLASS). Also called: 2q33.1 deletion syndrome; Glass syndrome. Identifiers: Orphanet 251019, MedGen C2676739, MONDO:0012864, OMIM 612313.

Submissions (2):

OLLIN Analises Genomicas, OLLIN
Classification: Uncertain significance for Chromosome 2q32-q33 deletion syndrome. Last evaluated: 2026-08-06. Review status: criteria provided, single submitter. Criteria: ACMG Guidelines 2015 PMID 25741868. Collection method: clinical testing. Allele origin: germline.
Comment: This missense variant, located in exon 2 (of 11), is absent from gnomAD and has not been identified in the literature. However, it has been reported in ClinVar (accession VCV003643531.2). In silico analysis is inconclusive regarding the impact of this variant. This gene is constrained for missense variation. According to the currently available evidence, this variant has been classified as uncertain significance (PM2_P, PP2).

Labcorp Genetics (formerly Invitae), Labcorp
Classification: Uncertain significance for Chromosome 2q32-q33 deletion syndrome. Last evaluated: 2024-02-27. Review status: criteria provided, single submitter. Criteria: Invitae Variant Classification Sherloc (09022015). Collection method: clinical testing. Allele origin: germline.
Comment: This sequence change replaces arginine, which is basic and polar, with tryptophan, which is neutral and slightly polar, at codon 46 of the SATB2 protein (p.Arg46Trp). This variant is not present in population databases (gnomAD no frequency). This variant has not been reported in the literature in individuals affected with SATB2-related conditions. Advanced modeling of protein sequence and biophysical properties (such as structural, functional, and spatial information, amino acid conservation, physicochemical variation, residue mobility, and thermodynamic stability) performed at Invitae indicates that this missense variant is not expected to disrupt SATB2 protein function with a negative predictive value of 80%. In summary, the available evidence is currently insufficient to determine the role of this variant in disease. Therefore, it has been classified as a Variant of Uncertain Significance.

NM_001172509.2(SATB2):c.136A>T (p.Arg46Trp)

Gene: SATB2 (SATB homeobox 2; minus strand). Cytogenetic location: 2q33.1.
Variant type: single nucleotide variant.
Coding change: c.136A>T on transcript NM_001172509.2 (MANE Select); coding-DNA position 136, A replaced by T.
Protein change: p.Arg46Trp; replaces arginine 46 with tryptophan.
Molecular consequence: missense variant. On other transcripts: non-coding transcript variant (1).
Genome position (GRCh38, 1-based): chr2:199,455,902, T>A on the plus strand (A>T on the coding strand, the complement: SATB2 is on the minus strand). VCF-style: chr2-199455902-T-A. GRCh37 (hg19) VCF-style: chr2-200320625-T-A.
Other names: c.136A>T, p.Arg46Trp (NM_001172517.1, NM_015265.4); short protein forms R46W.
Identifiers: ClinVar variation 3643531 (VCV003643531.3).